The following is an entry in ClinVar:

NM_001845.6(COL4A1):c.2119_2120del (p.Met707fs)

Gene: COL4A1 (collagen type IV alpha 1 chain; minus strand). Cytogenetic location: 13q34.
Variant type: Deletion.
Coding change: c.2119_2120del on transcript NM_001845.6 (MANE Select); coding-DNA positions 2119 to 2120, 2 bases deleted (AT; older notation c.2119_2120delAT).
Protein change: p.Met707fs; shifts the reading frame from methionine 707.
Molecular consequence: frameshift variant.
Genome position (GRCh38, 1-based): chr13:110,181,365-110,181,366, AT deleted on the plus strand (AT on the coding strand, the reverse complement: COL4A1 is on the minus strand). VCF-style (leftmost placement, unchanged base first): chr13-110181364-CAT-C. GRCh37 (hg19) VCF-style: chr13-110833711-CAT-C.
Other names: short protein forms M707fs.
Identifiers: ClinVar variation 2748954 (VCV002748954.3), dbSNP rs2501788042, ClinGen allele CA2697551930.

ClinVar aggregate classification (germline): Pathogenic (1 of 4 stars; one submission).

Submission:

Labcorp Genetics (formerly Invitae), Labcorp
Classification: Pathogenic. Last evaluated: 2023-08-01. Review status: criteria provided, single submitter. Criteria: Invitae Variant Classification Sherloc (09022015). Collection method: clinical testing. Allele origin: germline.
Comment: This sequence change creates a premature translational stop signal (p.Met707Glyfs*12) in the COL4A1 gene. It is expected to result in an absent or disrupted protein product. Loss-of-function variants in COL4A1 are known to be pathogenic (PMID: 23225343). This variant is not present in population databases (gnomAD no frequency). This variant has not been reported in the literature in individuals affected with COL4A1-related conditions. For these reasons, this variant has been classified as Pathogenic.

Literature cited by the submitters: PubMed 23225343.